The following is an entry in ClinVar:

NM_001382273.1(TNK2):c.2160G>A (p.Glu720=)

Gene: TNK2 (tyrosine kinase non receptor 2; minus strand). Cytogenetic location: 3q29.
Variant type: single nucleotide variant.
Coding change: c.2160G>A on transcript NM_001382273.1 (MANE Select); coding-DNA position 2160, G replaced by A.
Protein change: p.Glu720=; no amino-acid change (glutamic acid 720 retained).
Molecular consequence: synonymous variant. On other transcripts: non-coding transcript variant (15).
Genome position (GRCh38, 1-based): chr3:195,868,138, C>T on the plus strand (G>A on the coding strand, the complement: TNK2 is on the minus strand). VCF-style: chr3-195868138-C-T. GRCh37 (hg19) VCF-style: chr3-195595009-C-T.
Other names: c.2232G>A, p.Glu744= (NM_001010938.2, NM_001382272.1); c.2211G>A, p.Glu737= (NM_001308046.2, NM_001382271.1); c.2160G>A, p.Glu720= (NM_001382274.1, NM_001387716.1, NM_001387717.1 and 1 more transcripts); c.2256G>A, p.Glu752= (NM_001382275.1, NM_001387707.1); c.2115G>A, p.Glu705= (NM_001386164.1, NM_001387709.1, NM_001387710.1 and 8 more transcripts); c.2187G>A, p.Glu729= (NM_001387708.1, NM_001387715.1).
Identifiers: ClinVar variation 2057609 (VCV002057609.28), dbSNP rs371555478, ClinGen allele CA2776043.

ClinVar aggregate classification (germline): Likely benign. Review status: criteria provided, multiple submitters, no conflicts (2 of 4 stars). 2 submissions from 2 submitters: Likely benign (2). Last evaluated 2025-01-06.

Allele frequency attached by ClinVar (database versions not stated): TOPMed 0.00004; ESP Exome Variant Server 0.00008; gnomAD 0.00011.
gnomAD v4.1: 133 of 1,611,516 alleles (0.0083%); highest among the groups gnomAD compares: Middle Eastern, 0.016%; no homozygotes.

Submissions (2):

Labcorp Genetics (formerly Invitae), Labcorp
Classification: Likely benign. Last evaluated: 2025-01-06. Review status: criteria provided, single submitter. Criteria: Invitae Variant Classification Sherloc (09022015). Collection method: clinical testing. Allele origin: germline.

CeGaT Center for Human Genetics Tuebingen
Classification: Likely benign. Last evaluated: 2022-07-01. Review status: criteria provided, single submitter. Criteria: CeGaT Center For Human Genetics Tuebingen Variant Classification Criteria Version 2. Collection method: clinical testing. Allele origin: germline. Affected: yes. Observed: 1 variant allele.
Comment: TNK2: BP4, BP7